The following is an entry in ClinVar:

NM_001353694.2(TIAM1):c.87C>T (p.Ser29=)

Gene: TIAM1 (TIAM Rac1 associated GEF 1; minus strand). Cytogenetic location: 21q22.11.
Variant type: single nucleotide variant.
Coding change: c.87C>T on transcript NM_001353694.2 (MANE Select); coding-DNA position 87, C replaced by T.
Protein change: p.Ser29=; no amino-acid change (serine 29 retained).
Molecular consequence: synonymous variant.
Genome position (GRCh38, 1-based): chr21:31,266,886, G>A on the plus strand (C>T on the coding strand, the complement: TIAM1 is on the minus strand). VCF-style: chr21-31266886-G-A. GRCh37 (hg19) VCF-style: chr21-32639202-G-A.
Other names: c.87C>T, p.Ser29= (NM_001353686.2, NM_001353687.2, NM_001353688.1 and 6 more transcripts).
Identifiers: ClinVar variation 3052185 (VCV003052185.3), dbSNP rs139712298, ClinGen allele CA9998747.
Genomic context (GRCh38, chr21:31,266,886, plus strand): 5'-GTGGATCACCTTCCCCGAGGAAGCGTGCCTGGTCCTCCGCGTCTTGTGCGAGAGGCGCAG[G>A]GAGCGGGAAGTGTGCTTGCGCCCCAGGCTGGCATGCTTTTCTCCATAAAACTCGTGCTCT-3'
Protein context (NP_001340623.1, residues 19-39): ASLGRKHTSR[Ser29=]LRLSHKTRRT

ClinVar aggregate classification (germline): Likely benign. Review status: criteria provided, single submitter (1 of 4 stars). 2 submissions from 2 submitters: Likely benign (1). 1 of the submissions does not count toward it. Last evaluated 2024-10-23.

Conditions:
TIAM1-related disorder. Also called: TIAM1-related condition.

Allele frequency attached by ClinVar (database versions not stated): 1000 Genomes Project 30x 0.00016; 1000 Genomes Project 0.00020; ESP Exome Variant Server 0.00069; TOPMed 0.00075; ExAC 0.00087; gnomAD 0.00100; gnomAD exomes 0.00104.
gnomAD v4.1: 1,649 of 1,613,970 alleles (0.1%); highest among the groups gnomAD compares: Non-Finnish European, 0.12%; 1 homozygote.

Submissions (2):

Blueprint Genetics
Classification: Likely benign. Last evaluated: 2024-10-23. Review status: criteria provided, single submitter. Criteria: ACMG Guidelines, 2015. Collection method: clinical testing. Allele origin: germline.

PreventionGenetics, part of Exact Sciences
Classification: Likely benign for TIAM1-related condition. Last evaluated: 2020-02-25. Review status: no assertion criteria provided. Collection method: clinical testing. Allele origin: germline. Not counted in ClinVar's aggregate classification.
Comment: This variant is classified as likely benign based on ACMG/AMP sequence variant interpretation guidelines (Richards et al. 2015 PMID: 25741868, with internal and published modifications).